The following is an entry in ClinVar:

NM_002234.4(KCNA5):c.634C>T (p.Arg212Cys)

Gene: KCNA5 (potassium voltage-gated channel subfamily A member 5; plus strand). Cytogenetic location: 12p13.32.
Variant type: single nucleotide variant.
Coding change: c.634C>T on transcript NM_002234.4 (MANE Select); coding-DNA position 634, C replaced by T.
Protein change: p.Arg212Cys; replaces arginine 212 with cysteine.
Molecular consequence: missense variant.
Genome position (GRCh38, 1-based): chr12:5,044,781, C>T. VCF-style: chr12-5044781-C-T. GRCh37 (hg19) VCF-style: chr12-5153947-C-T.
Other names: short protein forms R212C.
Identifiers: ClinVar variation 191460 (VCV000191460.25), dbSNP rs77281462, ClinGen allele CA236715.

ClinVar aggregate classification (germline): Conflicting classifications of pathogenicity. Review status: criteria provided, conflicting classifications (1 of 4 stars). 8 submissions from 8 submitters: Uncertain significance (2); Likely benign (3). 3 of the submissions do not count toward it. Last evaluated 2026-03-15.

Conditions:
KCNA5-related disorder. Also called: KCNA5-related condition.
Atrial fibrillation, familial, 7 (ATFB7). Identifiers: MedGen C2677106, MONDO:0012828, OMIM 612240.

Allele frequency attached by ClinVar (database versions not stated): gnomAD 0.00083 and 0.00088; TOPMed 0.00096; ESP Exome Variant Server 0.00115; 1000 Genomes Project 0.00120; 1000 Genomes Project 30x 0.00141.
gnomAD v4.1: 335 of 1,614,188 alleles (0.021%); highest among the groups gnomAD compares: African/African-American, 0.21%; 1 homozygote.

Submissions (8):

Women's Health and Genetics/Laboratory Corporation of America, LabCorp
Classification: Likely benign. Last evaluated: 2026-03-15. Review status: criteria provided, single submitter. Criteria: LabCorp Variant Classification Summary - May 2015. Collection method: clinical testing. Allele origin: germline.

Labcorp Genetics (formerly Invitae), Labcorp
Classification: Likely benign for Atrial fibrillation, familial, 7. Last evaluated: 2026-02-02. Review status: criteria provided, single submitter. Criteria: Invitae Variant Classification Sherloc (09022015). Collection method: clinical testing. Allele origin: germline.

GeneDx
Classification: Likely benign. Last evaluated: 2020-01-08. Review status: criteria provided, single submitter. Criteria: GeneDx Variant Classification Process June 2021. Collection method: clinical testing. Allele origin: germline. Affected: yes.
Comment: This variant is associated with the following publications: (PMID: 24068186)

ARUP Laboratories, Molecular Genetics and Genomics, ARUP Laboratories
Classification: Uncertain significance for Atrial fibrillation, familial, 7. Last evaluated: 2019-03-14. Review status: criteria provided, single submitter. Criteria: ARUP Molecular Germline Variant Investigation Process. Collection method: clinical testing. Allele origin: germline.
Comment: The KCNA5 c.634C>T; p.Arg212Cys variant (rs77281462) is reported in the literature in a cohort of individuals not selected for a history of arrhythmia, cardiomyopathy, or a family history of sudden cardiac death (Ng 2013). This variant is reported in ClinVar (Variation ID: 191460) and is found in the African population with an overall allele frequency of 0.18% (46/24940 alleles, including one homozygote) in the Genome Aggregation Database. The arginine at codon 212 is moderately conserved and computational analyses (SIFT, PolyPhen-2) predict that this variant is deleterious. However, due to limited information, the clinical significance of the p.Arg212Cys variant is uncertain at this time. References: Ng D et al. Interpreting secondary cardiac disease variants in an exome cohort. Circ Cardiovasc Genet. 2013 Aug;6(4):337-46.

Biesecker Lab/Clinical Genomics Section, National Institutes of Health
Classification: Uncertain significance. Last evaluated: 2013-06-24. Review status: criteria provided, single submitter. Criteria: Ng et al. (Circ Cardiovasc Genet. 2013). Collection method: research. Allele origin: unknown. Observed: 1 variant allele. Study: ClinSeq.
Comment: The study set was not selected for affection status in relation to any cancer. Pathogenicity categories were based on literature curation. See Pubmed ID:23861362 for details.

Medical sequencing

PreventionGenetics, part of Exact Sciences
Classification: Likely benign for KCNA5-related condition. Last evaluated: 2024-06-21. Review status: no assertion criteria provided. Collection method: clinical testing. Allele origin: germline. Not counted in ClinVar's aggregate classification.
Comment: This variant is classified as likely benign based on ACMG/AMP sequence variant interpretation guidelines (Richards et al. 2015 PMID: 25741868, with internal and published modifications).

Clinical Genetics, Academic Medical Center
Classification: Likely benign. Review status: no assertion criteria provided. Collection method: clinical testing. Allele origin: germline. Affected: yes. Study: VKGL Data-share Consensus. Not counted in ClinVar's aggregate classification.

Diagnostic Laboratory, Department of Genetics, University Medical Center Groningen
Classification: Likely benign. Review status: no assertion criteria provided. Collection method: clinical testing. Allele origin: germline. Affected: yes. Study: VKGL Data-share Consensus. Not counted in ClinVar's aggregate classification.